The following is an entry in ClinVar:

ClinVar aggregate classification (germline): Uncertain significance (1 of 4 stars; one submission).

Allele frequency attached by ClinVar (database versions not stated): gnomAD exomes 0.00002; gnomAD 0.00004 and 0.00006; TOPMed 0.00005; 1000 Genomes Project 30x 0.00016; 1000 Genomes Project 0.00020.

Submission:

GeneDx
Classification: Uncertain significance. Last evaluated: 2020-01-29. Review status: criteria provided, single submitter. Criteria: GeneDx Variant Classification Process June 2021. Collection method: clinical testing. Allele origin: germline. Affected: yes.
Comment: In silico analysis, which includes protein predictors and evolutionary conservation, supports a deleterious effect; Identified in a patient with fatigue in the published literature (Boles et al., 2015), but limited clinical history and segregation information was provided; This variant is associated with the following publications: (PMID: 26022780, 31669620)

NM_016292.3(TRAP1):c.340C>T (p.Arg114Trp)

Gene: TRAP1 (TNF receptor associated protein 1; minus strand). Cytogenetic location: 16p13.3.
Variant type: single nucleotide variant.
Coding change: c.340C>T on transcript NM_016292.3 (MANE Select); coding-DNA position 340, C replaced by T.
Protein change: p.Arg114Trp; replaces arginine 114 with tryptophan.
Molecular consequence: missense variant.
Genome position (GRCh38, 1-based): chr16:3,686,127, G>A on the plus strand (C>T on the coding strand, the complement: TRAP1 is on the minus strand). VCF-style: chr16-3686127-G-A. GRCh37 (hg19) VCF-style: chr16-3736128-G-A.
Other names: c.181C>T, p.Arg61Trp (NM_001272049.2); short protein forms R114W, R61W.
Identifiers: ClinVar variation 1315068 (VCV001315068.2), dbSNP rs192245771, ClinGen allele CA277014401.